The following is an entry in ClinVar:

ClinVar aggregate classification (germline): Uncertain significance (1 of 4 stars; one submission).

Conditions:
Growth hormone insensitivity with immune dysregulation 1, autosomal recessive. Also called: GROWTH HORMONE INSENSITIVITY DUE TO POSTRECEPTOR DEFECT; LARON SYNDROME DUE TO POSTRECEPTOR DEFECT; GROWTH HORMONE INSENSITIVITY SYNDROME WITH IMMUNE DYSREGULATION 1, AUTOSOMAL RECESSIVE; Laron syndrome with immunodeficiency. Identifiers: Orphanet 220465, MedGen C5435698, MONDO:0100211, OMIM 245590.

Allele frequency attached by ClinVar (database versions not stated): gnomAD exomes below 0.00001; ExAC 0.00001.
gnomAD v4.1: 3 of 1,613,810 alleles (0.00019%); highest among the groups gnomAD compares: Non-Finnish European, 0.00025%; no homozygotes.

Submission:

Labcorp Genetics (formerly Invitae), Labcorp
Classification: Uncertain significance for Growth hormone insensitivity with immune dysregulation 1, autosomal recessive. Last evaluated: 2021-04-05. Review status: criteria provided, single submitter. Criteria: Invitae Variant Classification Sherloc (09022015). Collection method: clinical testing. Allele origin: germline.
Comment: In summary, the available evidence is currently insufficient to determine the role of this variant in disease. Therefore, it has been classified as a Variant of Uncertain Significance. Algorithms developed to predict the effect of sequence changes on RNA splicing suggest that this variant may create or strengthen a splice site, but this prediction has not been confirmed by published transcriptional studies. This variant has not been reported in the literature in individuals with STAT5B-related conditions. This variant is present in population databases (rs753434378, ExAC 0.001%). This sequence change falls in intron 17 of the STAT5B gene. It does not directly change the encoded amino acid sequence of the STAT5B protein.

NM_012448.4(STAT5B):c.2129+16G>A

Gene: STAT5B (signal transducer and activator of transcription 5B; minus strand). Cytogenetic location: 17q21.2.
Variant type: single nucleotide variant.
Coding change: c.2129+16G>A on transcript NM_012448.4 (MANE Select); 16 bases into the intron after coding-DNA position 2129, G replaced by A.
Molecular consequence: intron variant.
Genome position (GRCh38, 1-based): chr17:42,202,741, C>T on the plus strand (G>A on the coding strand, the complement: STAT5B is on the minus strand). VCF-style: chr17-42202741-C-T. GRCh37 (hg19) VCF-style: chr17-40354759-C-T.
Identifiers: ClinVar variation 1419827 (VCV001419827.8), dbSNP rs753434378, ClinGen allele CA8573860.